The following is an entry in ClinVar:

ClinVar aggregate classification (germline): Uncertain significance. Review status: criteria provided, multiple submitters, no conflicts (2 of 4 stars). 3 submissions from 3 submitters: Uncertain significance (3). Last evaluated 2025-10-07.

Conditions:
Cardiovascular phenotype. Identifiers: MedGen CN230736.
Cardiomyopathy (CMYO). Also called: Cardiomyopathies. Identifiers: Orphanet 167848, MedGen C0878544, MONDO:0004994, HP:0001638. Inheritance: Various modes of inheritance.
Hypertrophic cardiomyopathy. Also called: HYPERTROPHIC MYOCARDIOPATHY. Identifiers: Orphanet 217569, MedGen C0007194, MeSH D002312, MONDO:0005045, HP:0001639.

gnomAD v4.1: 2 of 1,612,566 alleles (0.00012%); highest among the groups gnomAD compares: African/African-American, 0.0027%; no homozygotes.

Submissions (3):

Labcorp Genetics (formerly Invitae), Labcorp
Classification: Uncertain significance for Hypertrophic cardiomyopathy. Last evaluated: 2025-10-07. Review status: criteria provided, single submitter. Criteria: Invitae Variant Classification Sherloc (09022015). Collection method: clinical testing. Allele origin: germline.
Comment: This sequence change replaces serine, which is neutral and polar, with cysteine, which is neutral and slightly polar, at codon 166 of the TNNI3 protein (p.Ser166Cys). This variant is not present in population databases (gnomAD no frequency). This variant has not been reported in the literature in individuals affected with TNNI3-related conditions. ClinVar contains an entry for this variant (Variation ID: 1357921). An algorithm developed to predict the effect of missense changes on protein structure and function (PolyPhen-2) suggests that this variant is likely to be disruptive. This variant disrupts the p.Ser166 amino acid residue in TNNI3. Other variant(s) that disrupt this residue have been determined to be pathogenic (PMID: 12974739, 21533915, 22361390, 22675533). This suggests that this residue is clinically significant, and that variants that disrupt this residue are likely to be disease-causing. In summary, the available evidence is currently insufficient to determine the role of this variant in disease. Therefore, it has been classified as a Variant of Uncertain Significance.

Color Diagnostics, LLC DBA Color Health
Classification: Uncertain significance for Cardiomyopathy. Last evaluated: 2025-09-09. Review status: criteria provided, single submitter. Criteria: ACMG Guidelines, 2015. Collection method: clinical testing. Allele origin: germline.
Comment: This missense variant replaces serine with cysteine at codon 166 of the TNNI3 protein. Computational prediction suggests that this variant may not impact protein structure and function. To our knowledge, functional studies have not been reported for this variant. This variant has not been reported in individuals affected with TNNI3-related disorders in the literature. This variant has not been identified in the general population by the Genome Aggregation Database (gnomAD). The available evidence is insufficient to determine the role of this variant in disease conclusively. Therefore, this variant is classified as a Variant of Uncertain Significance.

Ambry Genetics
Classification: Uncertain significance for Cardiovascular phenotype. Last evaluated: 2023-01-03. Review status: criteria provided, single submitter. Criteria: Ambry Variant Classification Scheme 2023. Collection method: clinical testing. Allele origin: germline.
Comment: The p.S166C variant (also known as c.497C>G), located in coding exon 7 of the TNNI3 gene, results from a C to G substitution at nucleotide position 497. The serine at codon 166 is replaced by cysteine, an amino acid with dissimilar properties. This amino acid position is not well conserved in available vertebrate species. In addition, the in silico prediction for this alteration is inconclusive. Since supporting evidence is limited at this time, the clinical significance of this alteration remains unclear.

Literature cited by the submitters: PubMed 12974739 (cited by Labcorp Genetics (formerly Invitae), Labcorp); PubMed 21533915 (cited by Labcorp Genetics (formerly Invitae), Labcorp); PubMed 22361390 (cited by Labcorp Genetics (formerly Invitae), Labcorp); PubMed 22675533 (cited by Labcorp Genetics (formerly Invitae), Labcorp).

NM_000363.5(TNNI3):c.497C>G (p.Ser166Cys)

Gene: TNNI3 (troponin I3, cardiac type; minus strand). Cytogenetic location: 19q13.42.
Variant type: single nucleotide variant.
Coding change: c.497C>G on transcript NM_000363.5 (MANE Select); coding-DNA position 497, C replaced by G.
Protein change: p.Ser166Cys; replaces serine 166 with cysteine.
Molecular consequence: missense variant.
Genome position (GRCh38, 1-based): chr19:55,154,082, G>C on the plus strand (C>G on the coding strand, the complement: TNNI3 is on the minus strand). VCF-style: chr19-55154082-G-C. GRCh37 (hg19) VCF-style: chr19-55665450-G-C.
Other names: c.497C>G (NM_000363.4); short protein forms S166C.
Identifiers: ClinVar variation 1357921 (VCV001357921.9), dbSNP rs727504242, ClinGen allele CA407440326.